The following is an entry in ClinVar:

ClinVar aggregate classification (germline): Pathogenic/Likely pathogenic. Review status: criteria provided, multiple submitters, no conflicts (2 of 4 stars). 14 submissions from 13 submitters: Pathogenic (10); Likely pathogenic (2). 2 of the submissions do not count toward it. Last evaluated 2026-07-14.

Conditions:
USH2A-related disorder. Also called: USH2A-related disorders; USH2A-related condition. Identifiers: MedGen CN239332.
Usher syndrome type 2. Also called: Usher Syndrome Type II. Identifiers: Orphanet 231178, MedGen C0339534, MONDO:0016484.
Rare genetic deafness. Identifiers: Orphanet 96210, MedGen C5680250.
Retinitis pigmentosa 39 (RP39). Identifiers: Orphanet 791, MedGen C3151138, MONDO:0013436, OMIM 613809.
Usher syndrome type 2A. Also called: RETINAL DISEASE IN USHER SYNDROME TYPE IIA, MODIFIER OF; USHER SYNDROME, TYPE IIA. Identifiers: Orphanet 231178, Orphanet 886, MedGen C1848634, MONDO:0010169, OMIM 276901.

Allele frequency attached by ClinVar (database versions not stated): gnomAD 0.00003; ExAC 0.00004; TOPMed 0.00004; gnomAD exomes 0.00006.

Submissions (14):

PreventionGenetics, part of Exact Sciences
Classification: Pathogenic for USH2A-related condition. Last evaluated: 2026-07-14. Review status: criteria provided, single submitter. Criteria: ACMG Guidelines, 2015. Collection method: clinical testing. Allele origin: germline.
Comment: The USH2A c.1000C>T variant is predicted to result in the amino acid substitution p.Arg334Trp. This variant has been reported in individuals with autosomal recessive Usher syndrome or non-syndromic retinitis pigmentosa (for examples, see: Adato et al. 2000. PubMed ID: 10738000; Bravo-Gil et al. 2016. PubMed ID: 27032803; supplementary data, Weisschuh et al. 2020. PubMed ID: 32531858; Colombo et al. 2022. PubMed ID: 34781295; supplementary data, Villafuerte-de la Cruz et al. 2024. PubMed ID: 38347443). An alternate amino acid change at this position (p.Arg334Gln) has been reported in individuals affected with Usher syndrome or non-syndromic retinitis pigmentosa (for examples, see Baux et al. 2007. PubMed ID: 17405132; supplementary data, Lin et al. 2024. PubMed ID: 38219857). This variant is reported in 0.031% of alleles in individuals of Latino descent in gnomAD. This variant is interpreted as pathogenic.

3billion
Classification: Pathogenic for USH2A-related disorder. Last evaluated: 2026-01-13. Review status: criteria provided, single submitter. Criteria: ACMG Guidelines, 2015. Collection method: clinical testing. Allele origin: germline. Affected: yes.
Comment: The variant is observed at an extremely low frequency in the gnomAD v4.1.0 dataset (total allele frequency: 0.002%). Predicted Consequence/Location: Missense variant The same nucleotide change resulting in the same amino acid change has been previously reported as pathogenic/likely pathogenic with strong evidence (ClinVar ID: VCV000228411 /PMID: 10738000 /3billion dataset). The variant has been reported to be in trans with a pathogenic variant as either compound heterozygous or homozygous in at least one similarly affected unrelated individual (PMID: 15025721, 17405132, 20513143, 26338283, 27032803, 29142287). Different missense changes at the same codon (p.Arg334Gln, p.Arg334Gly) have been reported as pathogenic/likely pathogenic with strong evidence (ClinVar ID: VCV000048342, VCV000552304 /PMID: 17405132, 29655801). Therefore, this variant is classified as Pathogenic according to the recommendation of ACMG/AMP guideline.

Natera, Inc.
Classification: Pathogenic for Usher syndrome type 2A. Last evaluated: 2025-10-26. Review status: criteria provided, single submitter. Criteria: Natera Variant Classification Schema (03/2026). Collection method: clinical testing. Allele origin: germline.
Comment: The c.1000C>T variant in USH2A is a missense variant predicted to cause substitution of arginine to tryptophan at amino acid 334. This variant is rare in the general population with a frequency below the threshold expected for the associated phenotype(s). This variant has been observed in one or more individuals affected with the associated recessive disease, as either homozygous or compound heterozygous with a second variant (PMID: 28944237, 10909849). Computational prediction algorithms indicate this variant is likely to affect gene or protein function. Given the available evidence, this variant is classified as Pathogenic.

Labcorp Genetics (formerly Invitae), Labcorp
Classification: Pathogenic. Last evaluated: 2025-09-24. Review status: criteria provided, single submitter. Criteria: Invitae Variant Classification Sherloc (09022015). Collection method: clinical testing. Allele origin: germline.
Comment: This sequence change replaces arginine, which is basic and polar, with tryptophan, which is neutral and slightly polar, at codon 334 of the USH2A protein (p.Arg334Trp). This variant is present in population databases (rs397517963, gnomAD 0.03%). This missense change has been observed in individuals with Usher syndrome (PMID: 10909849, 15025721, 17405132, 18452394, 19683999, 20513143, 25333064, 26338283, 27032803, 28894305, 28944237, 29142287). It has also been observed to segregate with disease in related individuals. ClinVar contains an entry for this variant (Variation ID: 228411). Invitae Evidence Modeling of protein sequence and biophysical properties (such as structural, functional, and spatial information, amino acid conservation, physicochemical variation, residue mobility, and thermodynamic stability) has been performed for this missense variant. However, the output from this modeling did not meet the statistical confidence thresholds required to predict the impact of this variant on USH2A protein function. This variant disrupts the p.Arg334 amino acid residue in USH2A. Other variant(s) that disrupt this residue have been observed in individuals with USH2A-related conditions (PMID: 17405132), which suggests that this may be a clinically significant amino acid residue. For these reasons, this variant has been classified as Pathogenic.

GeneDx
Classification: Pathogenic. Last evaluated: 2025-06-20. Review status: criteria provided, single submitter. Criteria: GeneDx Variant Classification Process June 2021. Collection method: clinical testing. Allele origin: germline. Affected: yes.
Comment: In silico analysis supports that this missense variant has a deleterious effect on protein structure/function; This variant is associated with the following publications: (PMID: 33124170, 32675063, 34781295, 17405132, 31964843, 36460718, 37217489, 10738000, 10909849, 19683999, 25333064, 15025721, 24944099, 26338283, 27032803, 29490346, 31589614, 31456290, 32050993, 18452394, 32531858, PMID39858579, 38347443)

Fulgent Genetics
Classification: Pathogenic for Usher syndrome type 2A; Retinitis pigmentosa 39. Last evaluated: 2024-06-11. Review status: criteria provided, single submitter. Criteria: ACMG Guidelines, 2015. Collection method: clinical testing. Allele origin: germline.

Baylor Genetics
Classification: Pathogenic for Retinitis pigmentosa 39. Last evaluated: 2024-03-26. Review status: criteria provided, single submitter. Criteria: ACMG Guidelines, 2015. Collection method: clinical testing. Allele origin: unknown.

Genome-Nilou Lab
Classification: Likely pathogenic for Retinitis pigmentosa 39. Last evaluated: 2023-11-04. Review status: criteria provided, single submitter. Criteria: ACMG Guidelines, 2015. Collection method: clinical testing. Allele origin: germline. Affected: no.

Genome-Nilou Lab
Classification: Likely pathogenic for Usher syndrome type 2A. Last evaluated: 2023-11-04. Review status: criteria provided, single submitter. Criteria: ACMG Guidelines, 2015. Collection method: clinical testing. Allele origin: germline. Affected: no.

Blueprint Genetics
Classification: Pathogenic for USH2A-related disorders. Last evaluated: 2023-07-10. Review status: criteria provided, single submitter. Criteria: ACMG Guidelines, 2015. Collection method: clinical testing. Allele origin: germline. Affected: yes. Observed: 5 variant alleles.

Laboratory for Molecular Medicine, Mass General Brigham Personalized Medicine
Classification: Pathogenic for Rare genetic deafness. Last evaluated: 2015-04-27. Review status: criteria provided, single submitter. Criteria: LMM Criteria. Collection method: clinical testing. Allele origin: germline. Inheritance: Autosomal recessive inheritance. Observed: 2 variant alleles.
Comment: The p.Arg334Trp variant in USH2A has been reported in 9 probands with Usher synd rome who were either compound heterozygous or homozygous, and segregated in 9 fa mily members (Adato 2000, Auslender 2008, Baux 2014, Baux 2007, Dreyer 2000, Jai jo 2009, Krawitz 2014, Ouyang 2004). This variant has been identified in 4/11496 Latino chromosomes by the Exome Aggregation Consortium (ExAC; dbSNP rs397517963), however this frequency is low enough to be co nsistent with a recessive carrier frequency. In summary, this variant meets our criteria to be classified as pathogenic for autosomal recessive Usher syndrome b ased on multiple reports with pathogenic USH2A variants in individuals with Ushe r syndrome.

Juno Genomics, Hangzhou Juno Genomics, Inc
Classification: Pathogenic for Usher syndrome type 2A; Retinitis pigmentosa 39. Review status: criteria provided, single submitter. Criteria: ACMG Guidelines, 2015. Collection method: clinical testing. Allele origin: germline.
Comment: For recessive disorders, detected in trans with a pathogenic variant.;Co-segregation with disease in multiple affected family members.

Sharon lab, Hadassah-Hebrew University Medical Center
Classification: Pathogenic for Usher syndrome type 2. Last evaluated: 2019-06-23. Review status: no assertion criteria provided. Collection method: research. Allele origin: inherited. Affected: yes. Not counted in ClinVar's aggregate classification.

Counsyl
Classification: Likely pathogenic for Usher syndrome type 2A; Retinitis pigmentosa 39. Last evaluated: 2017-08-30. Review status: no assertion criteria provided. Collection method: clinical testing. Allele origin: unknown. Not counted in ClinVar's aggregate classification.

Literature cited by the submitters: PubMed 20513143 (cited by 3billion and Labcorp Genetics (formerly Invitae), Labcorp); PubMed 27032803 (cited by 3 submitters); PubMed 29142287 (cited by 3billion and Labcorp Genetics (formerly Invitae), Labcorp); PubMed 26338283 (cited by 3 submitters); PubMed 17405132 (cited by 4 submitters); PubMed 10738000 (cited by 3 submitters); PubMed 15025721 (cited by 4 submitters); PubMed 28944237 (cited by Natera, Inc. and Labcorp Genetics (formerly Invitae), Labcorp); PubMed 10909849 (cited by 3 submitters); PubMed 18452394 (cited by 3 submitters); PubMed 19683999 (cited by 3 submitters); PubMed 25333064 (cited by 3 submitters); PubMed 28894305 (cited by Labcorp Genetics (formerly Invitae), Labcorp); PubMed 24944099 (cited by Laboratory for Molecular Medicine, Mass General Brigham Personalized Medicine); PubMed 18273898 (cited by Counsyl).

NM_206933.4(USH2A):c.1000C>T (p.Arg334Trp)

Gene: USH2A (usherin; minus strand). Cytogenetic location: 1q41.
Variant type: single nucleotide variant.
Coding change: c.1000C>T on transcript NM_206933.4 (MANE Select); coding-DNA position 1000, C replaced by T.
Protein change: p.Arg334Trp; replaces arginine 334 with tryptophan.
Molecular consequence: missense variant.
Genome position (GRCh38, 1-based): chr1:216,325,448, G>A on the plus strand (C>T on the coding strand, the complement: USH2A is on the minus strand). VCF-style: chr1-216325448-G-A. GRCh37 (hg19) VCF-style: chr1-216498790-G-A.
Other names: c.1000C>T, p.Arg334Trp (NM_007123.6); short protein forms R334W.
Identifiers: ClinVar variation 228411 (VCV000228411.34), dbSNP rs397517963, ClinGen allele CA1396625.